The following is an entry in ClinVar:

ClinVar aggregate classification (germline): Uncertain significance (1 of 4 stars; one submission).

Conditions:
Familial meningioma. Also called: Meningioma, familial, susceptibility to. Identifiers: Orphanet 263662, MedGen C3551915, MONDO:0011789, OMIM 607174.

Allele frequency attached by ClinVar (database versions not stated): gnomAD exomes below 0.00001.
gnomAD v4.1: 1 of 1,612,094 alleles (0.000062%); highest among the groups gnomAD compares: South Asian, 0.0011%; no homozygotes.

Submission:

Labcorp Genetics (formerly Invitae), Labcorp
Classification: Uncertain significance for Familial meningioma. Last evaluated: 2025-05-21. Review status: criteria provided, single submitter. Criteria: Invitae Variant Classification Sherloc (09022015). Collection method: clinical testing. Allele origin: germline.
Comment: This sequence change falls in intron 10 of the SMARCE1 gene. It does not directly change the encoded amino acid sequence of the SMARCE1 protein. It affects a nucleotide within the consensus splice site. This variant is present in population databases (no rsID available, gnomAD 0.003%). This variant has not been reported in the literature in individuals affected with SMARCE1-related conditions. ClinVar contains an entry for this variant (Variation ID: 655155). Variants that disrupt the consensus splice site are a relatively common cause of aberrant splicing (PMID: 17576681, 9536098). Algorithms developed to predict the effect of sequence changes on RNA splicing suggest that this variant is not likely to affect RNA splicing. In summary, the available evidence is currently insufficient to determine the role of this variant in disease. Therefore, it has been classified as a Variant of Uncertain Significance.

Literature cited by the submitters: PubMed 17576681; PubMed 9536098.

NM_003079.5(SMARCE1):c.1027+6C>G

Gene: SMARCE1 (SWI/SNF related BAF chromatin remodeling complex subunit E1; minus strand). Cytogenetic location: 17q21.2.
Variant type: single nucleotide variant.
Coding change: c.1027+6C>G on transcript NM_003079.5 (MANE Select); 6 bases into the intron after coding-DNA position 1027, C replaced by G.
Molecular consequence: intron variant.
Genome position (GRCh38, 1-based): chr17:40,630,708, G>C on the plus strand (C>G on the coding strand, the complement: SMARCE1 is on the minus strand). VCF-style: chr17-40630708-G-C. GRCh37 (hg19) VCF-style: chr17-38786960-G-C.
Identifiers: ClinVar variation 655155 (VCV000655155.8), dbSNP rs1245988748, ClinGen allele CA626211906.